The following is an entry in ClinVar:

NM_004281.4(BAG3):c.1238C>G (p.Ala413Gly)

Gene: BAG3 (BAG cochaperone 3; plus strand). Cytogenetic location: 10q26.11.
Variant type: single nucleotide variant.
Coding change: c.1238C>G on transcript NM_004281.4 (MANE Select); coding-DNA position 1238, C replaced by G.
Protein change: p.Ala413Gly; replaces alanine 413 with glycine.
Molecular consequence: missense variant.
Genome position (GRCh38, 1-based): chr10:119,676,792, C>G. VCF-style: chr10-119676792-C-G. GRCh37 (hg19) VCF-style: chr10-121436304-C-G.
Other names: short protein forms A413G.
Identifiers: ClinVar variation 2932920 (VCV002932920.1), dbSNP rs2494023429, ClinGen allele CA378296894.

ClinVar aggregate classification (germline): Uncertain significance (1 of 4 stars; one submission).

Conditions:
Dilated cardiomyopathy 1HH (CMD1HH). Identifiers: Orphanet 154, MedGen C3151293, MONDO:0013479, OMIM 613881.
Myofibrillar myopathy 6. Identifiers: Orphanet 199340, MedGen C2751831, MONDO:0013061, OMIM 612954.

gnomAD v4.1: 1 of 1,614,192 alleles (0.000062%); highest among the groups gnomAD compares: East Asian, 0.0022%; no homozygotes.

Submission:

Labcorp Genetics (formerly Invitae), Labcorp
Classification: Uncertain significance for Dilated cardiomyopathy 1HH; Myofibrillar myopathy 6. Last evaluated: 2023-08-31. Review status: criteria provided, single submitter. Criteria: Invitae Variant Classification Sherloc (09022015). Collection method: clinical testing. Allele origin: germline.
Comment: This sequence change replaces alanine, which is neutral and non-polar, with glycine, which is neutral and non-polar, at codon 413 of the BAG3 protein (p.Ala413Gly). In summary, the available evidence is currently insufficient to determine the role of this variant in disease. Therefore, it has been classified as a Variant of Uncertain Significance. Advanced modeling of protein sequence and biophysical properties (such as structural, functional, and spatial information, amino acid conservation, physicochemical variation, residue mobility, and thermodynamic stability) performed at Invitae indicates that this missense variant is not expected to disrupt BAG3 protein function. This variant has not been reported in the literature in individuals affected with BAG3-related conditions. This variant is not present in population databases (gnomAD no frequency).